The following is an entry in ClinVar:

ClinVar aggregate classification (germline): Uncertain significance (1 of 4 stars; one submission).

gnomAD v4.1: 1 of 1,613,448 alleles (0.000062%); highest among the groups gnomAD compares: East Asian, 0.0022%; no homozygotes.

Submission:

Ambry Genetics
Classification: Uncertain significance. Last evaluated: 2026-03-23. Review status: criteria provided, single submitter. Criteria: Ambry Variant Classification Scheme 2023. Collection method: clinical testing. Allele origin: germline.
Comment: The p.P524L variant (also known as c.1571C>T), located in coding exon 8 of the RNF43 gene, results from a C to T substitution at nucleotide position 1571. The proline at codon 524 is replaced by leucine, an amino acid with similar properties. This amino acid position is conserved. In addition, this alteration is predicted to be tolerated by in silico analysis. Based on the available evidence, the clinical significance of this variant remains unclear.

NM_017763.6(RNF43):c.1571C>T (p.Pro524Leu)

Gene: RNF43 (ring finger protein 43; minus strand). Cytogenetic location: 17q22.
Variant type: single nucleotide variant.
Coding change: c.1571C>T on transcript NM_017763.6 (MANE Select); coding-DNA position 1571, C replaced by T.
Protein change: p.Pro524Leu; replaces proline 524 with leucine.
Molecular consequence: missense variant.
Genome position (GRCh38, 1-based): chr17:58,358,205, G>A on the plus strand (C>T on the coding strand, the complement: RNF43 is on the minus strand). VCF-style: chr17-58358205-G-A. GRCh37 (hg19) VCF-style: chr17-56435566-G-A.
Other names: c.1571C>T, p.Pro524Leu (NM_001305544.3, NM_001438820.1, NM_001438821.1 and 1 more transcripts); c.1190C>T, p.Pro397Leu (NM_001305545.2, NM_001437987.1); short protein forms P397L, P524L.
Identifiers: ClinVar variation 4863381 (VCV004863381.1).